The following is an entry in ClinVar:

NM_001354930.2(RIPK1):c.971A>G (p.Asp324Gly)

Gene: RIPK1 (receptor interacting serine/threonine kinase 1; plus strand). Cytogenetic location: 6p25.2.
Variant type: single nucleotide variant.
Coding change: c.971A>G on transcript NM_001354930.2 (MANE Select); coding-DNA position 971, A replaced by G.
Protein change: p.Asp324Gly; replaces aspartic acid 324 with glycine.
Molecular consequence: missense variant.
Genome position (GRCh38, 1-based): chr6:3,104,280, A>G. VCF-style: chr6-3104280-A-G. GRCh37 (hg19) VCF-style: chr6-3104514-A-G.
Other names: c.482A>G, p.Asp161Gly (NM_001317061.3, NM_001354932.2, NM_001354933.2 and 1 more transcripts); c.833A>G, p.Asp278Gly (NM_001354931.2); c.971A>G, p.Asp324Gly (NM_003804.6); short protein forms D161G, D324G, D278G.
Identifiers: ClinVar variation 4154692 (VCV004154692.1).

ClinVar aggregate classification (germline): Likely pathogenic (1 of 4 stars; one submission).

Conditions:
Inborn genetic diseases. Identifiers: MedGen C0950123, MeSH D030342.

Submission:

Ambry Genetics
Classification: Likely pathogenic for Inborn genetic diseases. Last evaluated: 2025-07-23. Review status: criteria provided, single submitter. Criteria: Ambry Variant Classification Scheme 2023. Collection method: clinical testing. Allele origin: germline.
Comment: The c.971A>G (p.D324G) alteration is located in exon 7 (coding exon 7) of the RIPK1 gene. This alteration results from an A to G substitution at nucleotide position 971, causing the aspartic acid (D) at amino acid position 324 to be replaced by a glycine (G). for autosomal dominant RIPK1-related auto-inflammatory disease; however, its clinical significance for autosomal recessive RIPK1-related immunodeficiency with autoinflammation is uncertain. This variant was not reported in population-based cohorts in the Genome Aggregation Database (gnomAD). This variant was reported in individual(s) with features consistent with RIPK1-related auto-inflammatory disease (Tapiz I Reula, 2022). Other variant(s) at the same codon, c.970G>C (p.D324H) have been identified in individual(s) with features consistent with RIPK1-related auto-inflammatory disease (Lalaoui, 2020; Tao, 2020). This amino acid position is highly conserved in available vertebrate species. The in silico prediction for this alteration is inconclusive. Based on the available evidence, this alteration is classified as likely pathogenic.

Literature cited by the submitters: PubMed 31827280; PubMed 31827281; PubMed 35716229.